The following is an entry in ClinVar:

NM_000051.4(ATM):c.5189G>C (p.Arg1730Pro)

Gene: ATM (ATM serine/threonine kinase; plus strand). Cytogenetic location: 11q22.3.
Variant type: single nucleotide variant.
Coding change: c.5189G>C on transcript NM_000051.4 (MANE Select); coding-DNA position 5189, G replaced by C.
Protein change: p.Arg1730Pro; replaces arginine 1730 with proline.
Molecular consequence: missense variant.
Genome position (GRCh38, 1-based): chr11:108,301,659, G>C. VCF-style: chr11-108301659-G-C. GRCh37 (hg19) VCF-style: chr11-108172386-G-C.
Other names: c.5189G>C, p.Arg1730Pro (NM_001351834.2); short protein forms R1730P.
Identifiers: ClinVar variation 1944659 (VCV001944659.6), dbSNP rs373789346, ClinGen allele CA382542135.

ClinVar aggregate classification (germline): Uncertain significance. Review status: criteria provided, multiple submitters, no conflicts (2 of 4 stars). 2 submissions from 2 submitters: Uncertain significance (2). Last evaluated 2025-05-30.

Conditions:
Ataxia-telangiectasia syndrome (AT). Also called: Ataxia-telangiectasia, complementation group D; AT, COMPLEMENTATION GROUP C; Ataxia-telangiectasia; Ataxia telangiectasia (A-T); Cerebello-oculocutaneous telangiectasia; Immunodeficiency with ataxia telangiectasia. Identifiers: Orphanet 100, MedGen C0004135, MONDO:0008840, OMIM 208900.
Hereditary cancer-predisposing syndrome. Also called: Neoplastic Syndromes, Hereditary; Hereditary neoplastic syndrome; Tumor predisposition; Hereditary Cancer Syndrome. Identifiers: Orphanet 140162, MedGen C0027672, MeSH D009386, MONDO:0015356.

Submissions (2):

Ambry Genetics
Classification: Uncertain significance for Hereditary cancer-predisposing syndrome. Last evaluated: 2025-05-30. Review status: criteria provided, single submitter. Criteria: Ambry Variant Classification Scheme 2023. Collection method: clinical testing. Allele origin: germline.
Comment: The p.R1730P variant (also known as c.5189G>C), located in coding exon 34 of the ATM gene, results from a G to C substitution at nucleotide position 5189. The arginine at codon 1730 is replaced by proline, an amino acid with dissimilar properties. This amino acid position is highly conserved in available vertebrate species. In addition, this alteration is predicted to be deleterious by in silico analysis. Based on the available evidence, the clinical significance of this variant remains unclear.

Labcorp Genetics (formerly Invitae), Labcorp
Classification: Uncertain significance for Ataxia-telangiectasia syndrome. Last evaluated: 2022-10-21. Review status: criteria provided, single submitter. Criteria: Invitae Variant Classification Sherloc (09022015). Collection method: clinical testing. Allele origin: germline.
Comment: This sequence change replaces arginine, which is basic and polar, with proline, which is neutral and non-polar, at codon 1730 of the ATM protein (p.Arg1730Pro). This variant is not present in population databases (gnomAD no frequency). This variant has not been reported in the literature in individuals affected with ATM-related conditions. Algorithms developed to predict the effect of missense changes on protein structure and function (SIFT, PolyPhen-2, Align-GVGD) all suggest that this variant is likely to be tolerated. In summary, the available evidence is currently insufficient to determine the role of this variant in disease. Therefore, it has been classified as a Variant of Uncertain Significance.